The following is an entry in ClinVar:

NM_015046.7(SETX):c.3494C>G (p.Ser1165Cys)

Gene: SETX (senataxin; minus strand). Cytogenetic location: 9q34.13.
Variant type: single nucleotide variant.
Coding change: c.3494C>G on transcript NM_015046.7 (MANE Select); coding-DNA position 3494, C replaced by G.
Protein change: p.Ser1165Cys; replaces serine 1165 with cysteine.
Molecular consequence: missense variant.
Genome position (GRCh38, 1-based): chr9:132,328,104, G>C on the plus strand (C>G on the coding strand, the complement: SETX is on the minus strand). VCF-style: chr9-132328104-G-C. GRCh37 (hg19) VCF-style: chr9-135203491-G-C.
Other names: c.3494C>G, p.Ser1165Cys (NM_001351527.2, NM_001351528.2); short protein forms S1165C.
Identifiers: ClinVar variation 5000255 (VCV005000255.1).

ClinVar aggregate classification (germline): Uncertain significance (1 of 4 stars; one submission).

Conditions:
SETX-related disorder. Also called: SETX-related disorders; SETX-related condition. Identifiers: MedGen CN239403.

gnomAD v4.1: 1 of 1,613,994 alleles (0.000062%); highest among the groups gnomAD compares: Middle Eastern, 0.016%; no homozygotes.

Submission:

PreventionGenetics, part of Exact Sciences
Classification: Uncertain significance for SETX-related condition. Last evaluated: 2025-02-19. Review status: criteria provided, single submitter. Criteria: ACMG Guidelines, 2015. Collection method: clinical testing. Allele origin: germline.
Comment: The SETX c.3494C>G variant is predicted to result in the amino acid substitution p.Ser1165Cys. This variant has not been reported in a large population database (gnomAD), indicating this variant is rare. At this time, the clinical significance of this variant is uncertain due to the absence of conclusive functional and genetic evidence.